The following is an entry in ClinVar:

ClinVar aggregate classification (germline): Uncertain significance (0 of 4 stars; one submission).

Conditions:
ASH1L-related disorder. Also called: ASH1L-related condition.

gnomAD v4.1: 1 of 1,610,870 alleles (0.000062%); highest among the groups gnomAD compares: Non-Finnish European, 0.000085%; no homozygotes.

Submission:

PreventionGenetics, part of Exact Sciences
Classification: Uncertain significance for ASH1L-related condition. Last evaluated: 2024-05-22. Review status: no assertion criteria provided. Collection method: clinical testing. Allele origin: germline.
Comment: The ASH1L c.4654A>G variant is predicted to result in the amino acid substitution p.Arg1552Gly. To our knowledge, this variant has not been reported in the literature. This variant is reported in 0.00088% of alleles in individuals of European (Non-Finnish) descent in gnomAD. At this time, the clinical significance of this variant is uncertain due to the absence of conclusive functional and genetic evidence.

NM_018489.3(ASH1L):c.4654A>G (p.Arg1552Gly)

Gene: ASH1L (ASH1 like histone lysine methyltransferase; minus strand). Cytogenetic location: 1q22.
Variant type: single nucleotide variant.
Coding change: c.4654A>G on transcript NM_018489.3 (MANE Select); coding-DNA position 4654, A replaced by G.
Protein change: p.Arg1552Gly; replaces arginine 1552 with glycine.
Molecular consequence: missense variant.
Genome position (GRCh38, 1-based): chr1:155,478,216, T>C on the plus strand (A>G on the coding strand, the complement: ASH1L is on the minus strand). VCF-style: chr1-155478216-T-C. GRCh37 (hg19) VCF-style: chr1-155448007-T-C.
Other names: c.4654A>G, p.Arg1552Gly (NM_001366177.2); short protein forms R1552G.
Identifiers: ClinVar variation 3344540 (VCV003344540.1).